The following is an entry in ClinVar:

NM_000781.3(CYP11A1):c.830-1G>C

Gene: CYP11A1 (cytochrome P450 family 11 subfamily A member 1; minus strand). Cytogenetic location: 15q24.1.
Variant type: single nucleotide variant.
Coding change: c.830-1G>C on transcript NM_000781.3 (MANE Select); the canonical splice acceptor site of the intron before coding-DNA position 830, G replaced by C.
Molecular consequence: splice acceptor variant.
Genome position (GRCh38, 1-based): chr15:74,343,138, C>G on the plus strand (G>C on the coding strand, the complement: CYP11A1 is on the minus strand). VCF-style: chr15-74343138-C-G. GRCh37 (hg19) VCF-style: chr15-74635479-C-G.
Other names: c.356-1G>C (NM_001099773.2).
Identifiers: ClinVar variation 2853756 (VCV002853756.3), dbSNP rs769950368, ClinGen allele CA7656449.

ClinVar aggregate classification (germline): Likely pathogenic. Review status: criteria provided, multiple submitters, no conflicts (2 of 4 stars). 2 submissions from 2 submitters: Likely pathogenic (2). Last evaluated 2024-05-06.

Conditions:
Congenital adrenal insufficiency with 46, XY sex reversal OR 46,XY disorder of sex development-adrenal insufficiency due to CYP11A1 deficiency. Also called: Congenital adrenal insuffiency with 46, XY sex reversal OR 46,XY disorder of sex development-adrenal insufficiency due to CYP11A1 deficiency; P450scc DEFICIENCY. Identifiers: Orphanet 168558, MedGen C3151055, MONDO:0013400, OMIM 613743.

Allele frequency attached by ClinVar (database versions not stated): gnomAD exomes 0.00001; ExAC 0.00002.

Submissions (2):

Fulgent Genetics
Classification: Likely pathogenic for Congenital adrenal insufficiency with 46, XY sex reversal OR 46,XY disorder of sex development-adrenal insufficiency due to CYP11A1 deficiency. Last evaluated: 2024-05-06. Review status: criteria provided, single submitter. Criteria: ACMG Guidelines, 2015. Collection method: clinical testing. Allele origin: germline.

Labcorp Genetics (formerly Invitae), Labcorp
Classification: Likely pathogenic. Last evaluated: 2023-04-08. Review status: criteria provided, single submitter. Criteria: Invitae Variant Classification Sherloc (09022015). Collection method: clinical testing. Allele origin: germline.
Comment: Algorithms developed to predict the effect of sequence changes on RNA splicing suggest that this variant may disrupt the consensus splice site. In summary, the currently available evidence indicates that the variant is pathogenic, but additional data are needed to prove that conclusively. Therefore, this variant has been classified as Likely Pathogenic. This variant has not been reported in the literature in individuals affected with CYP11A1-related conditions. This variant is present in population databases (rs769950368, gnomAD 0.002%). This sequence change affects an acceptor splice site in intron 4 of the CYP11A1 gene. It is expected to disrupt RNA splicing. Variants that disrupt the donor or acceptor splice site typically lead to a loss of protein function (PMID: 16199547), and loss-of-function variants in CYP11A1 are known to be pathogenic (PMID: 15507506, 22435390, 27855232, 229968487).

Literature cited by the submitters: PubMed 16199547 (cited by Labcorp Genetics (formerly Invitae), Labcorp); PubMed 15507506 (cited by Labcorp Genetics (formerly Invitae), Labcorp); PubMed 22435390 (cited by Labcorp Genetics (formerly Invitae), Labcorp); PubMed 27855232 (cited by Labcorp Genetics (formerly Invitae), Labcorp); PubMed 229968487 (cited by Labcorp Genetics (formerly Invitae), Labcorp).